The following is an entry in ClinVar:

ClinVar aggregate classification (germline): Uncertain significance (1 of 4 stars; one submission).

Allele frequency attached by ClinVar (database versions not stated): TOPMed 0.00001.
gnomAD v4.1: 2 of 1,551,596 alleles (0.00013%); highest among the groups gnomAD compares: African/African-American, 0.0014%; no homozygotes.

Submission:

Labcorp Genetics (formerly Invitae), Labcorp
Classification: Uncertain significance. Last evaluated: 2025-03-17. Review status: criteria provided, single submitter. Criteria: Invitae Variant Classification Sherloc (09022015). Collection method: clinical testing. Allele origin: germline.
Comment: This sequence change replaces arginine, which is basic and polar, with serine, which is neutral and polar, at codon 2604 of the EYS protein (p.Arg2604Ser). This variant is not present in population databases (gnomAD no frequency). This variant has not been reported in the literature in individuals affected with EYS-related conditions. ClinVar contains an entry for this variant (Variation ID: 951222). Invitae Evidence Modeling of protein sequence and biophysical properties (such as structural, functional, and spatial information, amino acid conservation, physicochemical variation, residue mobility, and thermodynamic stability) has been performed for this missense variant. However, the output from this modeling did not meet the statistical confidence thresholds required to predict the impact of this variant on EYS protein function. This variant disrupts the p.Arg2604 amino acid residue in EYS. Other variant(s) that disrupt this residue have been determined to be pathogenic (PMID: 20237254, 26161267, 30543658, 31213501, 36819107; internal data). This suggests that this residue is clinically significant, and that variants that disrupt this residue are likely to be disease-causing. In summary, the available evidence is currently insufficient to determine the role of this variant in disease. Therefore, it has been classified as a Variant of Uncertain Significance.

Literature cited by the submitters: PubMed 20237254; PubMed 26161267; PubMed 30543658; PubMed 31213501; PubMed 36819107.

NM_001142800.2(EYS):c.7810C>A (p.Arg2604Ser)

Gene: EYS (EGF-like photoreceptor maintenance factor; minus strand). Cytogenetic location: 6q12.
Variant type: single nucleotide variant.
Coding change: c.7810C>A on transcript NM_001142800.2 (MANE Select); coding-DNA position 7810, C replaced by A.
Protein change: p.Arg2604Ser; replaces arginine 2604 with serine.
Molecular consequence: missense variant.
Genome position (GRCh38, 1-based): chr6:63,778,094, G>T on the plus strand (C>A on the coding strand, the complement: EYS is on the minus strand). VCF-style: chr6-63778094-G-T. GRCh37 (hg19) VCF-style: chr6-64487987-G-T.
Other names: c.7810C>A, p.Arg2604Ser (NM_001292009.2); short protein forms R2604S.
Identifiers: ClinVar variation 951222 (VCV000951222.9), dbSNP rs1015857165, ClinGen allele CA140242862.
Genomic context (GRCh38, chr6:63,778,094, plus strand): 5'-TCCCACCATTGCCACATTTCATTAAACTGCAGGGAGAAGCATGACACTGGCCAACACTGC[G>T]TCCAGCATTTGGGTGGCCCTCAGGATTTCCCAGTCCTCTGAAATGGCCATCCTTCTCAGT-3'
Protein context (NP_001136272.1, residues 2594-2614): GNPEGHPNAG[Arg2604Ser]SVGQCHASPC